The following is an entry in ClinVar:

NM_002473.6(MYH9):c.1729-8C>T

Gene: MYH9 (myosin heavy chain 9; minus strand). Cytogenetic location: 22q12.3.
Variant type: single nucleotide variant.
Coding change: c.1729-8C>T on transcript NM_002473.6 (MANE Select); 8 bases into the intron before coding-DNA position 1729, C replaced by T.
Molecular consequence: intron variant.
Genome position (GRCh38, 1-based): chr22:36,309,404, G>A on the plus strand (C>T on the coding strand, the complement: MYH9 is on the minus strand). VCF-style: chr22-36309404-G-A. GRCh37 (hg19) VCF-style: chr22-36705449-G-A.
Identifiers: ClinVar variation 3047996 (VCV003047996.3), dbSNP rs749332584, ClinGen allele CA10210207.

ClinVar aggregate classification (germline): Likely benign. Review status: criteria provided, single submitter (1 of 4 stars). 2 submissions from 2 submitters: Likely benign (1). 1 of the submissions does not count toward it. Last evaluated 2022-03-31.

Conditions:
MYH9-related disorder. Identifiers: MedGen C1854520.

gnomAD v4.1: 17 of 1,609,756 alleles (0.0011%); highest among the groups gnomAD compares: South Asian, 0.014%; no homozygotes.

Submissions (2):

Blueprint Genetics
Classification: Likely benign. Last evaluated: 2022-03-31. Review status: criteria provided, single submitter. Criteria: ACMG Guidelines, 2015. Collection method: clinical testing. Allele origin: germline.

PreventionGenetics, part of Exact Sciences
Classification: Likely benign for MYH9-related condition. Last evaluated: 2022-11-29. Review status: no assertion criteria provided. Collection method: clinical testing. Allele origin: germline. Not counted in ClinVar's aggregate classification.
Comment: This variant is classified as likely benign based on ACMG/AMP sequence variant interpretation guidelines (Richards et al. 2015 PMID: 25741868, with internal and published modifications).